The following is an entry in ClinVar:

ClinVar aggregate classification (germline): Uncertain significance. Review status: criteria provided, multiple submitters, no conflicts (2 of 4 stars). 2 submissions from 2 submitters: Uncertain significance (2). Last evaluated 2025-01-07.

Conditions:
Hypertrophic cardiomyopathy 1 (CMH1). Also called: MYH7-Related Familial Hypertrophic Cardiomyopathy; Familial hypertrophic cardiomyopathy 1. Identifiers: MedGen C3495498, MONDO:0008647, OMIM 192600.

Allele frequency attached by ClinVar (database versions not stated): TOPMed below 0.00001; gnomAD 0.00001.
gnomAD v4.1: 22 of 1,608,490 alleles (0.0014%); highest among the groups gnomAD compares: Non-Finnish European, 0.0014%; no homozygotes.

Submissions (2):

GeneDx
Classification: Uncertain significance. Last evaluated: 2025-01-07. Review status: criteria provided, single submitter. Criteria: GeneDx Variant Classification Process June 2021. Collection method: clinical testing. Allele origin: germline. Affected: yes.
Comment: Identified in a patient with left ventricular noncompaction and a different patient with sudden unexpected death syndrome in published literature; however, further clinical details were not provided and variants in other genes were reported for both patients (PMID: 28798025, 28704380); Nonsense variant predicted to result in protein truncation as the last 45 amino acids are lost; Not observed at significant frequency in large population cohorts (gnomAD); This variant is associated with the following publications: (PMID: 28798025, 28704380)

Labcorp Genetics (formerly Invitae), Labcorp
Classification: Uncertain significance for Hypertrophic cardiomyopathy 1. Last evaluated: 2023-04-19. Review status: criteria provided, single submitter. Criteria: Invitae Variant Classification Sherloc (09022015). Collection method: clinical testing. Allele origin: germline.
Comment: In summary, the available evidence is currently insufficient to determine the role of this variant in disease. Therefore, it has been classified as a Variant of Uncertain Significance. ClinVar contains an entry for this variant (Variation ID: 2026795). This premature translational stop signal has been observed in individual(s) with clinical features of MYLK2 related conditions (PMID: 28704380, 28798025). The frequency data for this variant in the population databases is considered unreliable, as metrics indicate poor data quality at this position in the gnomAD database. This sequence change creates a premature translational stop signal (p.Arg552*) in the MYLK2 gene. It is expected to result in an absent or disrupted protein product. However, the current clinical and genetic evidence is not sufficient to establish whether loss-of-function variants in MYLK2 cause disease.

Literature cited by the submitters: PubMed 28704380 (cited by Labcorp Genetics (formerly Invitae), Labcorp); PubMed 28798025 (cited by Labcorp Genetics (formerly Invitae), Labcorp).

NM_033118.4(MYLK2):c.1654C>T (p.Arg552Ter)

Gene: MYLK2 (myosin light chain kinase 2; plus strand). Cytogenetic location: 20q11.21.
Variant type: single nucleotide variant.
Coding change: c.1654C>T on transcript NM_033118.4 (MANE Select); coding-DNA position 1654, C replaced by T.
Protein change: p.Arg552Ter; replaces arginine 552 with a stop codon.
Molecular consequence: nonsense.
Genome position (GRCh38, 1-based): chr20:31,832,080, C>T. VCF-style: chr20-31832080-C-T. GRCh37 (hg19) VCF-style: chr20-30419883-C-T.
Other names: short protein forms R552*.
Identifiers: ClinVar variation 2026795 (VCV002026795.5), dbSNP rs1262954625, ClinGen allele CA408528376.